The following is an entry in ClinVar:

ClinVar aggregate classification (germline): Uncertain significance (1 of 4 stars; one submission).

Conditions:
Neuroblastoma, susceptibility to, 3. Also called: ALK-Related Neuroblastic Tumor Susceptibility. Identifiers: Orphanet 635, MedGen C2751681, MONDO:0013083, OMIM 613014.

Submission:

Labcorp Genetics (formerly Invitae), Labcorp
Classification: Uncertain significance for Neuroblastoma, susceptibility to, 3. Last evaluated: 2025-07-29. Review status: criteria provided, single submitter. Criteria: Invitae Variant Classification Sherloc (09022015). Collection method: clinical testing. Allele origin: germline.
Comment: This sequence change replaces serine, which is neutral and polar, with proline, which is neutral and non-polar, at codon 1509 of the ALK protein (p.Ser1509Pro). This variant is not present in population databases (gnomAD no frequency). This variant has not been reported in the literature in individuals affected with ALK-related conditions. An algorithm developed to predict the effect of missense changes on protein structure and function (PolyPhen-2) suggests that this variant is likely to be disruptive. In summary, the available evidence is currently insufficient to determine the role of this variant in disease. Therefore, it has been classified as a Variant of Uncertain Significance.

NM_004304.5(ALK):c.4525T>C (p.Ser1509Pro)

Gene: ALK (ALK receptor tyrosine kinase; minus strand). Cytogenetic location: 2p23.2.
Variant type: single nucleotide variant.
Coding change: c.4525T>C on transcript NM_004304.5 (MANE Select); coding-DNA position 4525, T replaced by C.
Protein change: p.Ser1509Pro; replaces serine 1509 with proline.
Molecular consequence: missense variant.
Genome position (GRCh38, 1-based): chr2:29,193,562, A>G on the plus strand (T>C on the coding strand, the complement: ALK is on the minus strand). VCF-style: chr2-29193562-A-G. GRCh37 (hg19) VCF-style: chr2-29416428-A-G.
Other names: c.1321T>C, p.Ser441Pro (NM_001353765.2); short protein forms S1509P, S441P.
Identifiers: ClinVar variation 4797488 (VCV004797488.1).
Genomic context (GRCh38, chr2:29,193,562, plus strand): 5'-CGTGTGGCTCCTTCTTTGCTATAGGATTATTCTTTTTGGTGGGTTTCTCTGTAAACCAGG[A>G]GCCGTACGTTGGGTTCCACAAGCTGGTGGGCTTGTTTCTGGATCCGTGGACCTTGTGCAA-3'
Protein context (NP_004295.2, residues 1499-1519): PTSLWNPTYG[Ser1509Pro]WFTEKPTKKN